The following is an entry in ClinVar:

ClinVar aggregate classification (germline): Conflicting classifications of pathogenicity. Review status: criteria provided, conflicting classifications (1 of 4 stars). 4 submissions from 4 submitters: Uncertain significance (3); Likely benign (1). Last evaluated 2026-07-01.

Conditions:
IFT27-related disorder. Also called: IFT27-related condition.

Allele frequency attached by ClinVar (database versions not stated): gnomAD exomes 0.00011; ExAC 0.00012; gnomAD 0.00015; TOPMed 0.00027; 1000 Genomes Project 0.00040; 1000 Genomes Project 30x 0.00062.

Submissions (4):

CeGaT Center for Human Genetics Tuebingen
Classification: Likely benign. Last evaluated: 2026-07-01. Review status: criteria provided, single submitter. Criteria: CeGaT Center For Human Genetics Tuebingen Variant Classification Criteria Version 2. Collection method: clinical testing. Allele origin: germline. Affected: yes. Observed: 1 variant allele.
Comment: IFT27: BP4

PreventionGenetics, part of Exact Sciences
Classification: Uncertain significance for IFT27-related condition. Last evaluated: 2025-12-05. Review status: criteria provided, single submitter. Criteria: ACMG Guidelines, 2015. Collection method: clinical testing. Allele origin: germline.
Comment: The IFT27 c.74G>A variant is predicted to result in the amino acid substitution p.Arg25His. This variant has been reported in at least one individual with a developmental disorder (reported as de novo in Table S1, Kaplanis. 2020. PubMed ID: 33057194; Supplementary Data 3, Zhou. 2022. PubMed ID: 35982159). This variant is reported in 0.060% of alleles in individuals of East Asian descent in gnomAD. Although we suspect that this variant may be benign, at this time, the clinical significance of this variant is uncertain due to the absence of conclusive functional and genetic evidence.

Labcorp Genetics (formerly Invitae), Labcorp
Classification: Uncertain significance. Last evaluated: 2024-09-04. Review status: criteria provided, single submitter. Criteria: Invitae Variant Classification Sherloc (09022015). Collection method: clinical testing. Allele origin: germline.
Comment: This sequence change replaces arginine, which is basic and polar, with histidine, which is basic and polar, at codon 25 of the IFT27 protein (p.Arg25His). This variant is present in population databases (rs185871181, gnomAD 0.05%). This variant has not been reported in the literature in individuals affected with IFT27-related conditions. ClinVar contains an entry for this variant (Variation ID: 950123). Invitae Evidence Modeling of protein sequence and biophysical properties (such as structural, functional, and spatial information, amino acid conservation, physicochemical variation, residue mobility, and thermodynamic stability) indicates that this missense variant is expected to disrupt IFT27 protein function with a positive predictive value of 95%. In summary, the available evidence is currently insufficient to determine the role of this variant in disease. Therefore, it has been classified as a Variant of Uncertain Significance.

Blueprint Genetics
Classification: Uncertain significance. Last evaluated: 2024-07-18. Review status: criteria provided, single submitter. Criteria: ACMG Guidelines, 2015. Collection method: clinical testing. Allele origin: germline.

NM_001177701.3(IFT27):c.77G>A (p.Arg26His)

Gene: IFT27 (intraflagellar transport 27; minus strand). Cytogenetic location: 22q12.3.
Variant type: single nucleotide variant.
Coding change: c.77G>A on transcript NM_001177701.3 (MANE Select); coding-DNA position 77, G replaced by A.
Protein change: p.Arg26His; replaces arginine 26 with histidine.
Molecular consequence: missense variant.
Genome position (GRCh38, 1-based): chr22:36,767,820, C>T on the plus strand (G>A on the coding strand, the complement: IFT27 is on the minus strand). VCF-style: chr22-36767820-C-T. GRCh37 (hg19) VCF-style: chr22-37163864-C-T.
Other names: c.77G>A, p.Arg26His (NM_001363003.2); c.74G>A, p.Arg25His (NM_006860.5); short protein forms R26H, R25H.
Identifiers: ClinVar variation 950123 (VCV000950123.11), dbSNP rs185871181, ClinGen allele CA10212540.
Genomic context (GRCh38, chr22:36,767,820, plus strand): 5'-CAGGTCTTGACACCCCAGCTCACCAGGGTGTAGCTTTTCTGGAAATGGGCTCCATCACTG[C>T]GGAAGATCTGTGCCAGGGCGGTCTTGCCCACTGCTGGGTCTCCTGTGAGATCAGAAAAGA-3'
Protein context (NP_001171172.1, residues 16-36): VGKTALAQIF[Arg26His]SDGAHFQKSY